The following is an entry in ClinVar:

ClinVar aggregate classification (germline): Uncertain significance. Review status: criteria provided, single submitter (1 of 4 stars). 2 submissions from 2 submitters: Uncertain significance (1). 1 of the submissions does not count toward it. Last evaluated 2021-08-30.

Conditions:
Myasthenic syndrome, congenital, 22 (CMS22). Also called: PREPL DEFICIENCY. Identifiers: MedGen C4479088, MONDO:0044299, OMIM 616224.
PREPL-related disorder. Also called: PREPL-related condition.

Allele frequency attached by ClinVar (database versions not stated): TOPMed 0.00001; gnomAD exomes 0.00002; gnomAD 0.00001; ExAC 0.00002.
gnomAD v4.1: 55 of 1,613,826 alleles (0.0034%); highest among the groups gnomAD compares: South Asian, 0.016%; 1 homozygote.

Submissions (2):

Labcorp Genetics (formerly Invitae), Labcorp
Classification: Uncertain significance for Myasthenic syndrome, congenital, 22. Last evaluated: 2021-08-30. Review status: criteria provided, single submitter. Criteria: Invitae Variant Classification Sherloc (09022015). Collection method: clinical testing. Allele origin: germline.
Comment: This sequence change replaces arginine with tryptophan at codon 495 of the PREPL protein (p.Arg495Trp). The arginine residue is moderately conserved and there is a moderate physicochemical difference between arginine and tryptophan. This variant is present in population databases (rs762344284, ExAC 0.02%). This variant has not been reported in the literature in individuals affected with PREPL-related conditions. Algorithms developed to predict the effect of missense changes on protein structure and function are either unavailable or do not agree on the potential impact of this missense change (SIFT: "Deleterious"; PolyPhen-2: "Probably Damaging"; Align-GVGD: "Class C0"). Algorithms developed to predict the effect of sequence changes on RNA splicing suggest that this variant may create or strengthen a splice site. In summary, the available evidence is currently insufficient to determine the role of this variant in disease. Therefore, it has been classified as a Variant of Uncertain Significance.

PreventionGenetics, part of Exact Sciences
Classification: Uncertain significance for PREPL-related condition. Last evaluated: 2024-05-02. Review status: no assertion criteria provided. Collection method: clinical testing. Allele origin: germline. Not counted in ClinVar's aggregate classification.
Comment: The PREPL c.1483C>T variant is predicted to result in the amino acid substitution p.Arg495Trp. To our knowledge, this variant has not been reported in the literature. This variant is reported in 0.016% of alleles in individuals of South Asian descent in gnomAD. At this time, the clinical significance of this variant is uncertain due to the absence of conclusive functional and genetic evidence.

NM_001171613.2(PREPL):c.1216C>T (p.Arg406Trp)

Gene: PREPL (prolyl endopeptidase like; minus strand). Cytogenetic location: 2p21.
Variant type: single nucleotide variant.
Coding change: c.1216C>T on transcript NM_001171613.2 (MANE Select); coding-DNA position 1216, C replaced by T.
Protein change: p.Arg406Trp; replaces arginine 406 with tryptophan.
Molecular consequence: missense variant.
Genome position (GRCh38, 1-based): chr2:44,328,983, G>A on the plus strand (C>T on the coding strand, the complement: PREPL is on the minus strand). VCF-style: chr2-44328983-G-A. GRCh37 (hg19) VCF-style: chr2-44556122-G-A.
Other names: c.1297C>T, p.Arg433Trp (NM_001042385.2); c.1285C>T, p.Arg429Trp (NM_001042386.2); c.1483C>T, p.Arg495Trp (NM_001171603.1, NM_001171606.2, NM_001374275.1 and 2 more transcripts); c.1216C>T, p.Arg406Trp (NM_001171617.1, NM_001374277.1); short protein forms R406W, R495W, R429W, R433W.
Identifiers: ClinVar variation 1468188 (VCV001468188.6), dbSNP rs762344284, ClinGen allele CA1641200.
Genomic context (GRCh38, chr2:44,328,983, plus strand): 5'-ATATACTGACTCACCGAACATGGCAGTATGCTAATATCCATCCATCATCCACCAGGACCC[G>A]CCTCTCAGGCCTGAAATTCATTTTCAAATCCATTCCATAAGCTCCATATACATGTACCAA-3'
Protein context (NP_001165084.1, residues 396-416): DLKMNFRPER[Arg406Trp]VLVDDGWILA